The following is an entry in ClinVar:

ClinVar aggregate classification (germline): Uncertain significance (1 of 4 stars; one submission).

Conditions:
Atrioventricular septal defect 4 (AVSD4). Identifiers: MedGen C3280781, MONDO:0013747, OMIM 614430.

Allele frequency attached by ClinVar (database versions not stated): gnomAD exomes below 0.00001; ExAC 0.00001.
gnomAD v4.1: 1 of 1,614,236 alleles (0.000062%); highest among the groups gnomAD compares: Non-Finnish European, 0.000085%; no homozygotes.

Submission:

Labcorp Genetics (formerly Invitae), Labcorp
Classification: Uncertain significance for Atrioventricular septal defect 4. Last evaluated: 2025-06-01. Review status: criteria provided, single submitter. Criteria: Invitae Variant Classification Sherloc (09022015). Collection method: clinical testing. Allele origin: germline.
Comment: This sequence change replaces proline, which is neutral and non-polar, with arginine, which is basic and polar, at codon 257 of the GATA4 protein (p.Pro257Arg). This variant is present in population databases (rs753457161, gnomAD 0.0009%). This variant has not been reported in the literature in individuals affected with GATA4-related conditions. ClinVar contains an entry for this variant (Variation ID: 1979029). Invitae Evidence Modeling of protein sequence and biophysical properties (such as structural, functional, and spatial information, amino acid conservation, physicochemical variation, residue mobility, and thermodynamic stability) has been performed for this missense variant. However, the output from this modeling did not meet the statistical confidence thresholds required to predict the impact of this variant on GATA4 protein function. In summary, the available evidence is currently insufficient to determine the role of this variant in disease. Therefore, it has been classified as a Variant of Uncertain Significance.

NM_001308093.3(GATA4):c.773C>G (p.Pro258Arg)

Gene: GATA4 (GATA binding protein 4). Cytogenetic location: 8p23.1.
Variant type: single nucleotide variant.
Coding change: c.773C>G on transcript NM_001308093.3 (MANE Select); coding-DNA position 773, C replaced by G.
Protein change: p.Pro258Arg; replaces proline 258 with arginine.
Molecular consequence: missense variant.
Genome position (GRCh38, 1-based): chr8:11,749,072, C>G. VCF-style: chr8-11749072-C-G. GRCh37 (hg19) VCF-style: chr8-11606581-C-G.
Other names: c.152C>G, p.Pro51Arg (NM_001308094.2, NM_001374273.1, NM_001374274.1); c.770C>G, p.Pro257Arg (NM_002052.5); short protein forms P258R, P51R, P257R.
Identifiers: ClinVar variation 1979029 (VCV001979029.4), dbSNP rs753457161, ClinGen allele CA4630674.
Genomic context (GRCh38, chr8:11,749,072, plus strand): 5'-TGTGCAACGCCTGCGGCCTCTACCACAAGATGAACGGCATCAACCGGCCGCTCATCAAGC[C>G]TCAGCGCCGGCTGGTAAGCACGTGCCTCGCAGCCTCCTCTGGGCACCTGGCTGCGGAGCT-3'
Protein context (NP_001295022.1, residues 248-268): MNGINRPLIK[Pro258Arg]QRRLSASRRV